The following is an entry in ClinVar:

ClinVar aggregate classification (germline): Likely benign. Review status: criteria provided, multiple submitters, no conflicts (2 of 4 stars). 4 submissions from 4 submitters: Likely benign (4). Last evaluated 2024-07-08.

Conditions:
Hypercholesterolemia, autosomal dominant, type B (FHCL2). Also called: APOLIPOPROTEIN B-100, FAMILIAL DEFECTIVE; APOLIPOPROTEIN B-100, FAMILIAL LIGAND-DEFECTIVE; HYPERCHOLESTEROLEMIA, FAMILIAL, DUE TO LIGAND-DEFECTIVE APOLIPOPROTEIN B; Familial hypercholesterolemia 2; Hyperlipoproteinemia Type IIb; Familial Hypercholesterolemia Type B. Identifiers: MedGen C1704417, MONDO:0007751, OMIM 144010.
Familial hypobetalipoproteinemia 1. Also called: Hypobetalipoproteinemia, normotriglyceridemic; Acanthocytosis with hypobetalipoproteinemia; APOB-Related Familial Hypobetalipoproteinemia. Identifiers: MedGen C4551990, MONDO:0014252, OMIM 615558.
Familial hypercholesterolemia. Also called: Familial hypercholesterolaemia; Familial hypercholesterolemias. Identifiers: MedGen C0020445, MONDO:0005439.
Cardiovascular phenotype. Identifiers: MedGen CN230736.

Allele frequency attached by ClinVar (database versions not stated): ExAC 0.00001; gnomAD exomes 0.00001 and 0.00003; TOPMed 0.00002; gnomAD 0.00004.
gnomAD v4.1: 42 of 1,613,568 alleles (0.0026%); highest among the groups gnomAD compares: Non-Finnish European, 0.0031%; no homozygotes.

Submissions (4):

Labcorp Genetics (formerly Invitae), Labcorp
Classification: Likely benign for Familial hypobetalipoproteinemia 1; Hypercholesterolemia, autosomal dominant, type B. Last evaluated: 2024-07-08. Review status: criteria provided, single submitter. Criteria: Invitae Variant Classification Sherloc (09022015). Collection method: clinical testing. Allele origin: germline.

GENinCode PLC
Classification: Likely benign for Familial hypercholesterolemia. Last evaluated: 2023-06-10. Review status: criteria provided, single submitter. Criteria: ACMG Guidelines, 2015. Collection method: clinical testing. Allele origin: germline.
Comment: This is a synonymous (silent) variant that is not predicted by SpliceAI to impact splicing. In addition, it occurs at a nucleotide that is not conserved. Therefore this variant has been classified as Likely Benign (BP4, BP7).

Ambry Genetics
Classification: Likely benign for Cardiovascular phenotype. Last evaluated: 2021-01-10. Review status: criteria provided, single submitter. Criteria: Ambry Variant Classification Scheme 2023. Collection method: clinical testing. Allele origin: germline.

CeGaT Center for Human Genetics Tuebingen
Classification: Likely benign. Last evaluated: 2019-02-01. Review status: criteria provided, single submitter. Criteria: CeGaT Center For Human Genetics Tuebingen Variant Classification Criteria Version 2. Collection method: clinical testing. Allele origin: germline. Affected: yes. Observed: 1 variant allele.

NM_000384.3(APOB):c.6927A>G (p.Arg2309=)

Gene: APOB (apolipoprotein B; minus strand). Cytogenetic location: 2p24.1.
Variant type: single nucleotide variant.
Coding change: c.6927A>G on transcript NM_000384.3 (MANE Select); coding-DNA position 6927, A replaced by G.
Protein change: p.Arg2309=; no amino-acid change (arginine 2309 retained).
Molecular consequence: synonymous variant.
Genome position (GRCh38, 1-based): chr2:21,009,941, T>C on the plus strand (A>G on the coding strand, the complement: APOB is on the minus strand). VCF-style: chr2-21009941-T-C. GRCh37 (hg19) VCF-style: chr2-21232813-T-C.
Identifiers: ClinVar variation 808687 (VCV000808687.55), dbSNP rs201066460, ClinGen allele CA063769.
Genomic context (GRCh38, chr2:21,009,941, plus strand): 5'-TTCAAAATCCCCAATAAGATTTATAACAAAGTGTTTGACATGCTCAAGAATGTCATTTAT[T>C]CTTTCAAATGAAATTGTAGTTCCCAATTGATCTAAAAGCACTCTAACATCAATAGCCTCA-3'
Protein context (NP_000375.3, residues 2299-2319): DQLGTTISFE[Arg2309=]INDILEHVKH